The following is an entry in ClinVar:

NM_000179.3(MSH6):c.2879del (p.Asn960fs)

Gene: MSH6 (mutS homolog 6; plus strand). Cytogenetic location: 2p16.3.
Variant type: Deletion.
Coding change: c.2879del on transcript NM_000179.3 (MANE Select); coding-DNA position 2879, one base deleted (A; older notation c.2879delA).
Protein change: p.Asn960fs; shifts the reading frame from asparagine 960.
Molecular consequence: frameshift variant.
Genome position (GRCh38, 1-based): chr2:47,800,862, A deleted; the last of 2 consecutive A bases (chr2:47,800,861-47,800,862); deleting either gives the same sequence. VCF-style (leftmost placement, unchanged base first): chr2-47800860-CA-C. GRCh37 (hg19) VCF-style: chr2-48027999-CA-C.
Other names: c.2489del, p.Asn830fs (NM_001281492.2); c.1973del, p.Asn658fs (NM_001281493.2, NM_001281494.2); c.2975delA, p.Asn992Thrfs (NM_001406795.1, NM_001406802.1); c.2879delA, p.Asn960Thrfs (NM_001406796.1, NM_001406798.1, NM_001406800.1 and 2 more transcripts); c.2582delA, p.Asn861Thrfs (NM_001406797.1, NM_001406801.1, NM_001406805.1 and 10 more transcripts); c.2354delA, p.Asn785Thrfs (NM_001406799.1, NM_001406806.1, NM_001406807.1); c.2801delA, p.Asn934Thrfs (NM_001406804.1); c.1973delA, p.Asn658Thrfs (NM_001406811.1, NM_001406812.1, NM_001406814.1 and 4 more transcripts); and 3 more; short protein forms N830fs, N960fs, N658fs.
Identifiers: ClinVar variation 1797137 (VCV001797137.2), dbSNP rs2530699251, ClinGen allele CA2580068096.
Genomic context (GRCh38, chr2:47,800,860, plus strand): 5'-AGCTCTTGCTGACATAAGAGAAAATGAACAGAGCCTCCTGGAATACCTAGAGAAACAGCG[CA>C]ACAGAATTGGCTGTAGGACCATAGTCTATTGGGGGATTGGTAGGAACCGTTACCAGCTGG-3'

ClinVar aggregate classification (germline): Pathogenic (1 of 4 stars; one submission).

Conditions:
Hereditary cancer-predisposing syndrome. Also called: Tumor predisposition; Hereditary Cancer Syndrome; Neoplastic Syndromes, Hereditary; Hereditary neoplastic syndrome. Identifiers: Orphanet 140162, MedGen C0027672, MeSH D009386, MONDO:0015356.

Submission:

Ambry Genetics
Classification: Pathogenic for Hereditary cancer-predisposing syndrome. Last evaluated: 2019-07-09. Review status: criteria provided, single submitter. Criteria: Ambry Variant Classification Scheme 2023. Collection method: clinical testing. Allele origin: germline.
Comment: The c.2879delA pathogenic mutation, located in coding exon 4 of the MSH6 gene, results from a deletion of one nucleotide at nucleotide position 2879, causing a translational frameshift with a predicted alternate stop codon (p.N960Tfs*8). This alteration is expected to result in loss of function by premature protein truncation or nonsense-mediated mRNA decay. As such, this alteration is interpreted as a disease-causing mutation.